The following is an entry in ClinVar:

NM_001244710.2(GFPT1):c.1345A>T (p.Met449Leu)

Gene: GFPT1 (glutamine--fructose-6-phosphate transaminase 1; minus strand). Cytogenetic location: 2p13.3.
Variant type: single nucleotide variant.
Coding change: c.1345A>T on transcript NM_001244710.2 (MANE Select); coding-DNA position 1345, A replaced by T.
Protein change: p.Met449Leu; replaces methionine 449 with leucine.
Molecular consequence: missense variant.
Genome position (GRCh38, 1-based): chr2:69,338,035, T>A on the plus strand (A>T on the coding strand, the complement: GFPT1 is on the minus strand). VCF-style: chr2-69338035-T-A. GRCh37 (hg19) VCF-style: chr2-69565167-T-A.
Other names: c.1291A>T, p.Met431Leu (NM_002056.4); short protein forms M431L, M449L.
Identifiers: ClinVar variation 1983892 (VCV001983892.4), dbSNP rs2466046780, ClinGen allele CA347124364.

ClinVar aggregate classification (germline): Uncertain significance (1 of 4 stars; one submission).

Conditions:
Congenital myasthenic syndrome 12 (CMS12). Also called: MYASTHENIC SYNDROME, CONGENITAL, WITH TUBULAR AGGREGATES 1; Myasthenia, congenital, 12, with tubular aggregates. Identifiers: Orphanet 353327, Orphanet 590, MedGen C3552335, MONDO:0012518, OMIM 610542.

Allele frequency attached by ClinVar (database versions not stated): gnomAD exomes below 0.00001.
gnomAD v4.1: 1 of 1,614,146 alleles (0.000062%); highest among the groups gnomAD compares: Non-Finnish European, 0.000085%; no homozygotes.

Submission:

Labcorp Genetics (formerly Invitae), Labcorp
Classification: Uncertain significance for Congenital myasthenic syndrome 12. Last evaluated: 2022-07-03. Review status: criteria provided, single submitter. Criteria: Invitae Variant Classification Sherloc (09022015). Collection method: clinical testing. Allele origin: germline.
Comment: In summary, the available evidence is currently insufficient to determine the role of this variant in disease. Therefore, it has been classified as a Variant of Uncertain Significance. Algorithms developed to predict the effect of missense changes on protein structure and function (SIFT, PolyPhen-2, Align-GVGD) all suggest that this variant is likely to be tolerated. This variant has not been reported in the literature in individuals affected with GFPT1-related conditions. This variant is not present in population databases (gnomAD no frequency). This sequence change replaces methionine, which is neutral and non-polar, with leucine, which is neutral and non-polar, at codon 449 of the GFPT1 protein (p.Met449Leu).